The following is an entry in ClinVar:

NM_000539.3(RHO):c.281C>T (p.Thr94Ile)

Gene: RHO (rhodopsin; plus strand). Cytogenetic location: 3q22.1.
Variant type: single nucleotide variant.
Coding change: c.281C>T on transcript NM_000539.3 (MANE Select); coding-DNA position 281, C replaced by T.
Protein change: p.Thr94Ile; replaces threonine 94 with isoleucine.
Molecular consequence: missense variant.
Genome position (GRCh38, 1-based): chr3:129,529,014, C>T. VCF-style: chr3-129529014-C-T. GRCh37 (hg19) VCF-style: chr3-129247857-C-T.
Other names: short protein forms T94I.
Identifiers: ClinVar variation 13054 (VCV000013054.2), dbSNP rs104893796, ClinGen allele CA122825.

ClinVar aggregate classification (germline): Likely pathogenic. Review status: criteria provided, single submitter (1 of 4 stars). 2 submissions from 2 submitters: Likely pathogenic (1). 1 of the submissions does not count toward it. Last evaluated 2022-05-22.

Conditions:
Congenital stationary night blindness autosomal dominant 1. Also called: NIGHT BLINDNESS, CONGENITAL STATIONARY, RHODOPSIN-RELATED. Identifiers: Orphanet 215, MedGen C1864869, MONDO:0012498, OMIM 610445.

Submissions (2):

3billion
Classification: Likely pathogenic for Congenital stationary night blindness autosomal dominant 1. Last evaluated: 2022-05-22. Review status: criteria provided, single submitter. Criteria: ACMG Guidelines, 2015. Collection method: clinical testing. Allele origin: germline. Affected: yes. Observed: 1 heterozygote.
Comment: The variant is not observed in the gnomAD v2.1.1 dataset. Missense changes are a common disease-causing mechanism. In silico tool predictions suggest damaging effect of the variant on gene or gene product (REVEL: 0.67; 3Cnet: 0.96). Same nucleotide change resulting in same amino acid change has been previously reported to be associated with RHO related disorder (ClinVar ID: VCV000013054 / PMID: 9888392). The variant has been reported to co-segregate with the disease in at least 5 similarly affected relatives/individuals in the same family or similarly affected unrelated families (PMID:9888392). Therefore, this variant is classified as likely pathogenic according to the recommendation of ACMG/AMP guideline.

OMIM
Classification: Pathogenic for NIGHT BLINDNESS, CONGENITAL STATIONARY, AUTOSOMAL DOMINANT 1. Last evaluated: 1999-01-01. Review status: no assertion criteria provided. Collection method: literature only. Allele origin: germline. Not counted in ClinVar's aggregate classification.

Literature cited by the submitters: PubMed 9888392 (cited by 3billion and OMIM).